The following is an entry in ClinVar:

ClinVar aggregate classification (germline): Benign (1 of 4 stars; one submission).

Allele frequency attached by ClinVar (database versions not stated): TOPMed 0.01398; 1000 Genomes Project 30x 0.02889; 1000 Genomes Project 0.03055.
gnomAD v4.1: 3,344 of 152,138 alleles (2.2%); highest among the groups gnomAD compares: South Asian, 4.7%; 80 homozygotes.

Submission:

GeneDx
Classification: Benign. Last evaluated: 2018-06-16. Review status: criteria provided, single submitter. Criteria: GeneDx Variant Classification (06012015). Collection method: clinical testing. Allele origin: germline. Affected: yes.
Comment: This variant is considered likely benign or benign based on one or more of the following criteria: it is a conservative change, it occurs at a poorly conserved position in the protein, it is predicted to be benign by multiple in silico algorithms, and/or has population frequency not consistent with disease.

NM_001382391.1(CSPP1):c.3470-187C>G

Genes: ARFGEF1 (ARF guanine nucleotide exchange factor 1; minus strand), CSPP1 (centrosome and spindle pole associated protein 1; plus strand). Cytogenetic location: 8q13.2.
Variant type: single nucleotide variant.
Coding change: c.3470-187C>G on transcript NM_001382391.1 (MANE Select); 187 bases into the intron before coding-DNA position 3470, C replaced by G.
Molecular consequence: intron variant.
Genome position (GRCh38, 1-based): chr8:67,195,195, C>G. VCF-style: chr8-67195195-C-G. GRCh37 (hg19) VCF-style: chr8-68107430-C-G.
Other names: c.3275-187C>G (NM_001363132.2); c.3389-187C>G (NM_001363131.2); c.3194-187C>G (NM_001363133.2); c.3536-187C>G (NM_001364869.1); c.3455-187C>G (NM_024790.7); c.3316-187C>G (NM_001438331.1); c.3302-187C>G (NM_001438330.1); c.3356-187C>G (NM_001364870.1); and 4 more.
Identifiers: ClinVar variation 672886 (VCV000672886.1), dbSNP rs2290586, ClinGen allele CA178219558.